The following is an entry in ClinVar:

ClinVar aggregate classification (germline): Uncertain significance (1 of 4 stars; one submission).

Submission:

Greenwood Genetic Center Diagnostic Laboratories, Greenwood Genetic Center
Classification: Uncertain significance. Last evaluated: 2024-02-27. Review status: criteria provided, single submitter. Criteria: ACMG Guidelines, 2015. Collection method: clinical testing. Allele origin: germline. Affected: yes.
Comment: Gene of Uncertain Significance

NM_001367479.1(DNAH14):c.7133_7137del (p.Leu2377_Leu2378insTer)

Gene: DNAH14 (dynein axonemal heavy chain 14; plus strand). Cytogenetic location: 1q42.12.
Variant type: Deletion.
Coding change: c.7133_7137del on transcript NM_001367479.1 (MANE Select); coding-DNA positions 7133 to 7137, 5 bases deleted (TATAT; older notation c.7133_7137delTATAT).
Protein change: p.Leu2377_Leu2378insTer.
Molecular consequence: nonsense.
Genome position (GRCh38, 1-based): chr1:225,259,229-225,259,233, TATAT deleted; deleting any 5 consecutive bases within chr1:225,259,226-225,259,233 gives the same sequence; the c. name uses the placement nearest the transcript's 3' end. VCF-style (leftmost placement, unchanged base first): chr1-225259225-CTATTA-C. GRCh37 (hg19) VCF-style: chr1-225446927-CTATTA-C.
Identifiers: ClinVar variation 3235764 (VCV003235764.1), dbSNP rs2092846818, ClinGen allele CA1224399056.
Genomic context (GRCh38, chr1:225,259,225, plus strand): 5'-GAAAAGCTAGAGGGTCCAGGAGCATTTGACATAAAACATGGTTCAATTTTAGGAGACACC[CTATTA>C]TATAGTGAAATAAAAAAATCAAGGTTGTATATACTAACTTCTAAATTTGATTTGTCTGAT-3'